The following is an entry in ClinVar:

ClinVar aggregate classification (germline): Pathogenic (1 of 4 stars; one submission).

Submission:

Labcorp Genetics (formerly Invitae), Labcorp
Classification: Pathogenic. Last evaluated: 2023-08-23. Review status: criteria provided, single submitter. Criteria: Invitae Variant Classification Sherloc (09022015). Collection method: clinical testing. Allele origin: germline.
Comment: For these reasons, this variant has been classified as Pathogenic. This variant has not been reported in the literature in individuals affected with AGXT-related conditions. This variant is not present in population databases (gnomAD no frequency). This sequence change creates a premature translational stop signal (p.Lys209Argfs*3) in the AGXT gene. It is expected to result in an absent or disrupted protein product. Loss-of-function variants in AGXT are known to be pathogenic (PMID: 19479957).

Literature cited by the submitters: PubMed 19479957.

NM_000030.3(AGXT):c.626del (p.Lys209fs)

Gene: AGXT (alanine--glyoxylate aminotransferase; plus strand). Cytogenetic location: 2q37.3.
Variant type: Deletion.
Coding change: c.626del on transcript NM_000030.3 (MANE Select); coding-DNA position 626, one base deleted (A; older notation c.626delA).
Protein change: p.Lys209fs; shifts the reading frame from lysine 209.
Molecular consequence: frameshift variant.
Genome position (GRCh38, 1-based): chr2:240,874,008, A deleted; the last of 2 consecutive A bases (chr2:240,874,007-240,874,008); deleting either gives the same sequence. VCF-style (leftmost placement, unchanged base first): chr2-240874006-GA-G. GRCh37 (hg19) VCF-style: chr2-241813423-GA-G.
Other names: short protein forms K209fs.
Identifiers: ClinVar variation 2754618 (VCV002754618.3), dbSNP rs2528753200, ClinGen allele CA2697550616.